The following is an entry in ClinVar:

ClinVar aggregate classification (germline): Pathogenic (1 of 4 stars; one submission).

Submission:

Labcorp Genetics (formerly Invitae), Labcorp
Classification: Pathogenic. Last evaluated: 2022-05-07. Review status: criteria provided, single submitter. Criteria: Invitae Variant Classification Sherloc (09022015). Collection method: clinical testing. Allele origin: germline.
Comment: This variant is not present in population databases (gnomAD no frequency). For these reasons, this variant has been classified as Pathogenic. This variant has not been reported in the literature in individuals affected with ADAMTSL4-related conditions. This sequence change creates a premature translational stop signal (p.Glu26Argfs*107) in the ADAMTSL4 gene. It is expected to result in an absent or disrupted protein product. Loss-of-function variants in ADAMTSL4 are known to be pathogenic (PMID: 20564469, 28642162).

Literature cited by the submitters: PubMed 20564469; PubMed 28642162.

NM_019032.6(ADAMTSL4):c.76del (p.Glu26fs)

Genes: ADAMTSL4 (ADAMTS like 4; plus strand), ADAMTSL4-AS2 (ADAMTSL4 antisense RNA 2; minus strand). Cytogenetic location: 1q21.2.
Variant type: Deletion.
Coding change: c.76del on transcript NM_019032.6 (MANE Select); coding-DNA position 76, one base deleted (G; older notation c.76delG).
Protein change: p.Glu26fs; shifts the reading frame from glutamic acid 26.
Molecular consequence: frameshift variant.
Genome position (GRCh38, 1-based): chr1:150,552,598, G deleted; the last of 2 consecutive G bases (chr1:150,552,597-150,552,598); deleting either gives the same sequence. VCF-style (leftmost placement, unchanged base first): chr1-150552596-AG-A. GRCh37 (hg19) VCF-style: chr1-150525072-AG-A.
Other names: c.76del, p.Glu26fs (NM_001288607.2, NM_001288608.2, NM_001378596.1 and 1 more transcripts); short protein forms E26fs.
Identifiers: ClinVar variation 2135099 (VCV002135099.4), dbSNP rs2526574712, ClinGen allele CA2580060975.